The following is an entry in ClinVar:

ClinVar aggregate classification (germline): Benign (1 of 4 stars; one submission).

Allele frequency attached by ClinVar (database versions not stated): 1000 Genomes Project 0.00499; 1000 Genomes Project 30x 0.00515; TOPMed 0.00733; ESP Exome Variant Server 0.00855; gnomAD 0.00861; ExAC 0.00986.

Submission:

CeGaT Center for Human Genetics Tuebingen
Classification: Benign. Last evaluated: 2026-06-01. Review status: criteria provided, single submitter. Criteria: CeGaT Center For Human Genetics Tuebingen Variant Classification Criteria Version 2. Collection method: clinical testing. Allele origin: germline. Affected: yes. Observed: 6 variant alleles.
Comment: SPEF2: BP4, BS1, BS2

NM_024867.4(SPEF2):c.5162T>C (p.Met1721Thr)

Gene: SPEF2 (sperm flagellar and cilia associated 2; plus strand). Cytogenetic location: 5p13.2.
Variant type: single nucleotide variant.
Coding change: c.5162T>C on transcript NM_024867.4 (MANE Select); coding-DNA position 5162, T replaced by C.
Protein change: p.Met1721Thr; replaces methionine 1721 with threonine.
Molecular consequence: missense variant.
Genome position (GRCh38, 1-based): chr5:35,806,858, T>C. VCF-style: chr5-35806858-T-C. GRCh37 (hg19) VCF-style: chr5-35806960-T-C.
Other names: short protein forms M1721T.
Identifiers: ClinVar variation 2655403 (VCV002655403.24), dbSNP rs147968150, ClinGen allele CA3231701.